The following is an entry in ClinVar:

ClinVar aggregate classification (germline): Pathogenic. Review status: criteria provided, multiple submitters, no conflicts (2 of 4 stars). 13 submissions from 13 submitters: Pathogenic (13). Last evaluated 2026-01-19.

Conditions:
COL7A1-related disorder. Also called: COL7A1-related condition; COL7A1- related disorders.
Epidermolysis bullosa pruriginosa. Also called: DEB, PRURIGINOSA; DYSTROPHIC EPIDERMOLYSIS BULLOSA PRURIGINOSA. Identifiers: Orphanet 89843, MedGen C1275114, MONDO:0011398, OMIM 604129.
Recessive dystrophic epidermolysis bullosa (RDEB). Also called: EPIDERMOLYSIS BULLOSA DYSTROPHICA, GENERALIZED SEVERE, AUTOSOMAL RECESSIVE; Hallopeau-Siemens Disease; severe generalized recessive dystrophic epidermolysis bullosa; Epidermolysis Bullosa Distrophica Autosomal Recessive (RDEB); Recessive DEB (RDEB); EPIDERMOLYSIS BULLOSA DYSTROPHICA, HALLOPEAU-SIEMENS TYPE. Identifiers: Orphanet 79408, Orphanet 79409, MedGen C0079474, MONDO:0009179, OMIM 226600.
Generalized dominant dystrophic epidermolysis bullosa (DDEB). Also called: Dominant DEB (DDEB); DDEB, generalized; DDEB-gen; DYSTROPHIC EPIDERMOLYSIS BULLOSA, AUTOSOMAL DOMINANT; Epidermolysis bullosa dystrophica, autosomal dominant. Identifiers: Orphanet 231568, MedGen C0432322, MONDO:0007549, OMIM 131750.
Pretibial dystrophic epidermolysis bullosa. Also called: Pretibial epidermolysis bullosa; Pretibial blistering; EPIDERMOLYSIS BULLOSA DYSTROPHICA, PRETIBIAL. Identifiers: Orphanet 79410, MedGen C0432321, MONDO:0007552, OMIM 131850, HP:0012221.
Dominant dystrophic epidermolysis bullosa with absence of skin. Also called: EPIDERMOLYSIS BULLOSA WITH CONGENITAL LOCALIZED ABSENCE OF SKIN AND DEFORMITY OF NAILS; EPIDERMOLYSIS BULLOSA DYSTROPHICA, BART TYPE. Identifiers: MedGen C0268371, MONDO:0007557, OMIM 132000.
Nonsyndromic congenital nail disorder 8. Also called: TOENAIL DYSTROPHY, ISOLATED. Identifiers: MedGen C1843761, MONDO:0011852, OMIM 607523.
Transient bullous dermolysis of the newborn (TBDN). Also called: EPIDERMOLYSIS BULLOSA DYSTROPHICA, NEONATAL FORM; DYSTROPHIC EPIDERMOLYSIS BULLOSA, NEONATAL. Identifiers: Orphanet 79411, MedGen C1851573, MONDO:0007548, OMIM 131705.
Epidermolysis bullosa dystrophica. Also called: Dystrophic epidermolysis bullosa; Dystrophic epidermolysis bullosa, Hallopeau-Siemens type (formerly). Identifiers: Orphanet 303, MedGen C0079294, MONDO:0006543.

Allele frequency attached by ClinVar (database versions not stated): ExAC 0.00001; gnomAD 0.00001; gnomAD exomes 0.00001.
gnomAD v4.1: 13 of 1,613,660 alleles (0.00081%); highest among the groups gnomAD compares: Admixed American, 0.0017%; no homozygotes.

Submissions (13):

Dasa
Classification: Pathogenic. Last evaluated: 2026-01-19. Review status: criteria provided, single submitter. Criteria: DASA Assertion Criteria. Collection method: clinical testing. Allele origin: germline.
Comment: NM_000094.4(COL7A1):c.5047C>T (p.Arg1683*) introduces a premature termination codon predicted to result in loss of normal protein function. Loss-of-function is an established mechanism of disease for this gene. This variant has been observed in affected individuals with related phenotype in a genotype context consistent with recessive disease (PMID: 35656234; PMID: 36385635; PMID: 16189623; PMID: 24032424; PMID: 20184583). This variant has been recurrently observed in individuals with related phenotype (PMID: 35656234; PMID: 36385635; PMID: 16189623; PMID: 24032424; PMID: 20184583). The variant is present at low frequency in population datasets. Based on the available data, this variant is classified as pathogenic.

PreventionGenetics, part of Exact Sciences
Classification: Pathogenic for COL7A1-related condition. Last evaluated: 2025-11-21. Review status: criteria provided, single submitter. Criteria: ACMG Guidelines, 2015. Collection method: clinical testing. Allele origin: germline.
Comment: The COL7A1 c.5047C>T variant is predicted to result in premature protein termination (p.Arg1683*). This variant has been reported in individuals with autosomal recessive dystrophic epidermolysis bullosa (see for example, Sawamura et al 2005. PubMed ID: 16189623; Warshauer et al 2021. PubMed ID: 34435747; Robertson et al 2022. PubMed ID: 34826142). This variant is reported in 0.0062% of alleles in individuals of African descent in gnomAD. Nonsense variants in COL7A1 are expected to be pathogenic. This variant is interpreted as pathogenic.

Myriad Genetics, Inc.
Classification: Pathogenic for Recessive dystrophic epidermolysis bullosa. Last evaluated: 2025-10-28. Review status: criteria provided, single submitter. Criteria: Myriad Autosomal Dominant, Autosomal Recessive and X-Linked Classification Criteria (2023). Collection method: clinical testing. Allele origin: unknown.
Comment: NM_000094.3(COL7A1):c.5047C>T(R1683*) is a nonsense variant classified as pathogenic in the context of dystrophic epidermolysis bullosa. R1683* has been observed in cases with relevant disease (PMID: 16189623). Relevant functional assessments of this variant are not available in the literature. R1683* has been observed in referenced population frequency databases. In summary, NM_000094.3(COL7A1):c.5047C>T(R1683*) is a nonsense variant in a gene where loss of function is a known mechanism of disease, is predicted to disrupt protein function, and has been observed more frequently in cases with the relevant disease than in healthy populations. Please note: this variant was assessed in the context of healthy population screening.

Labcorp Genetics (formerly Invitae), Labcorp
Classification: Pathogenic. Last evaluated: 2025-08-06. Review status: criteria provided, single submitter. Criteria: Invitae Variant Classification Sherloc (09022015). Collection method: clinical testing. Allele origin: germline.
Comment: This sequence change creates a premature translational stop signal (p.Arg1683*) in the COL7A1 gene. It is expected to result in an absent or disrupted protein product. Loss-of-function variants in COL7A1 are known to be pathogenic (PMID: 16971478). This variant is present in population databases (rs760063197, gnomAD 0.007%). This premature translational stop signal has been observed in individuals with autosomal recessive dystrophic epidermolysis bullosa (PMID: 16189623, 20184583, 21448560). ClinVar contains an entry for this variant (Variation ID: 372337). For these reasons, this variant has been classified as Pathogenic.

Natera, Inc.
Classification: Pathogenic for Dystrophic epidermolysis bullosa. Last evaluated: 2025-04-14. Review status: criteria provided, single submitter. Criteria: Natera Variant Classification Schema (03/2026). Collection method: clinical testing. Allele origin: germline.
Comment: The c.5047C>T variant in COL7A1 is a nonsense variant predicted to introduce a stop codon at amino acid 1683. This variant is expected to result in nonsense mediated decay, truncation, or a dysfunctional protein product. This variant is rare in the general population with a frequency below the threshold expected for the associated phenotype(s). This variant has been observed in one or more individuals affected with the associated recessive disease, as either homozygous or compound heterozygous with a second variant (PMID: 25703736). Given the available evidence, this variant is classified as Pathogenic.

3billion
Classification: Pathogenic for COL7A1-related disorder. Last evaluated: 2024-09-10. Review status: criteria provided, single submitter. Criteria: ACMG Guidelines, 2015. Collection method: clinical testing. Allele origin: germline. Affected: yes.
Comment: The variant is observed at an extremely low frequency in the gnomAD v4.0.0 dataset (total allele frequency: <0.001%). Predicted Consequence/Location: Stop-gained (nonsense): predicted to result in a loss or disruption of normal protein function through nonsense-mediated decay (NMD) or protein truncation. Multiple pathogenic variants are reported downstream of the variant. The variant has been reported at least twice as pathogenic with clinical assertions and evidence for the classification (ClinVar ID: VCV000372337 /PMID: 16189623 /3billion dataset). Therefore, this variant is classified as Pathogenic according to the recommendation of ACMG/AMP guideline.

Fulgent Genetics
Classification: Pathogenic for Transient bullous dermolysis of the newborn; Generalized dominant dystrophic epidermolysis bullosa; Pretibial dystrophic epidermolysis bullosa; Dominant dystrophic epidermolysis bullosa with absence of skin; Recessive dystrophic epidermolysis bullosa; Epidermolysis bullosa pruriginosa; Nonsyndromic congenital nail disorder 8. Last evaluated: 2024-05-28. Review status: criteria provided, single submitter. Criteria: ACMG Guidelines, 2015. Collection method: clinical testing. Allele origin: germline.

Laboratorio de Genetica e Diagnostico Molecular, Hospital Israelita Albert Einstein
Classification: Pathogenic for Recessive dystrophic epidermolysis bullosa. Last evaluated: 2023-10-24. Review status: criteria provided, single submitter. Criteria: ACMG Guidelines, 2015. Collection method: clinical testing. Allele origin: germline. Affected: yes.
Comment: ACMG classification criteria: PVS1 very strong, PM2 moderate, PM3 very strong, PP1 supporting, PP4 supporting

Women's Health and Genetics/Laboratory Corporation of America, LabCorp
Classification: Pathogenic for COL7A1-Related Disorders. Last evaluated: 2023-06-14. Review status: criteria provided, single submitter. Criteria: LabCorp Variant Classification Summary - May 2015. Collection method: clinical testing. Allele origin: germline.
Comment: Variant summary: COL7A1 c.5047C>T (p.Arg1683X) results in a premature termination codon, predicted to cause a truncation of the encoded protein or absence of the protein due to nonsense mediated decay, which are commonly known mechanisms for disease. The variant allele was found at a frequency of 8e-06 in 250762 control chromosomes. c.5047C>T has been reported in the literature in multiple individuals affected with Dystrophic Epidermolysis Bullosa, Recessive as part of a biallelic compound heterozygous phenotype (e.g., Sawamura_2005, Varki_2007, Kern_2009, Escamez_2010, Almaani_2011). In at least one individual this variant was detected in trans with a known pathogenic variant. These data indicate that the variant is very likely to be associated with disease. To our knowledge, no experimental evidence demonstrating an impact on protein function has been reported. The following publications have been ascertained in the context of this evaluation (PMID: 16971478, 19681861, 20184583, 21448560, 16189623). Seven ClinVar submitters have submitted clinical-significance assessments for this variant to ClinVar after 2014 and all submitters classified the variant as pathogenic. Based on the evidence outlined above, the variant was classified as pathogenic.

GeneDx
Classification: Pathogenic. Last evaluated: 2022-03-24. Review status: criteria provided, single submitter. Criteria: GeneDx Variant Classification Process June 2021. Collection method: clinical testing. Allele origin: germline. Affected: yes.
Comment: Nonsense variant predicted to result in protein truncation or nonsense mediated decay in a gene for which loss-of-function is a known mechanism of disease; This variant is associated with the following publications: (PMID: 31001817, 21113014, 20184583, 21448560, 19681861, 16189623, 34286919, 31589614)

Center for Research in Genodermatoses and Epidermolysis Bullosa, University of Buenos Aires
Classification: Pathogenic for Recessive dystrophic epidermolysis bullosa. Last evaluated: 2022-03-14. Review status: criteria provided, single submitter. Criteria: ACMG Guidelines, 2015. Collection method: clinical testing. Allele origin: germline. Affected: yes. Observed: 7 variant alleles, 4 compound heterozygotes, 3 homozygotes.

Biomedical Innovation Departament, CIEMAT
Classification: Pathogenic for Dystrophic epidermolysis bullosa. Last evaluated: 2017-12-22. Review status: criteria provided, single submitter. Criteria: ACMG Guidelines, 2015. Collection method: research. Allele origin: germline. Affected: yes. Observed: 2 variant alleles.

Juno Genomics, Hangzhou Juno Genomics, Inc
Classification: Pathogenic for Recessive dystrophic epidermolysis bullosa. Review status: criteria provided, single submitter. Criteria: ACMG Guidelines, 2015. Collection method: clinical testing. Allele origin: germline.
Comment: Absent from controls (or at extremely low frequency if recessive) in Genome Aggregation Database.;Null variant in a gene where loss of function (LOF) is a known mechanism of disease.;For recessive disorders, detected in trans with a pathogenic variant.;Co-segregation with disease in multiple affected family members.;Patient's phenotype or family history is highly specific for a disease with a single genetic etiology.

Literature cited by the submitters: PubMed 35656234 (cited by Dasa); PubMed 36385635 (cited by Dasa); PubMed 16189623 (cited by 7 submitters); PubMed 24032424 (cited by Dasa); PubMed 20184583 (cited by 3 submitters); PubMed 16971478 (cited by Labcorp Genetics (formerly Invitae), Labcorp and Women's Health and Genetics/Laboratory Corporation of America, LabCorp); PubMed 21448560 (cited by Labcorp Genetics (formerly Invitae), Labcorp and Women's Health and Genetics/Laboratory Corporation of America, LabCorp); PubMed 25703736 (cited by Natera, Inc.); PubMed 19681861 (cited by Women's Health and Genetics/Laboratory Corporation of America, LabCorp); PubMed 35979658 (cited by Center for Research in Genodermatoses and Epidermolysis Bullosa, University of Buenos Aires).

NM_000094.4(COL7A1):c.5047C>T (p.Arg1683Ter)

Gene: COL7A1 (collagen type VII alpha 1 chain; minus strand). Cytogenetic location: 3p21.31.
Variant type: single nucleotide variant.
Coding change: c.5047C>T on transcript NM_000094.4 (MANE Select); coding-DNA position 5047, C replaced by T.
Protein change: p.Arg1683Ter; replaces arginine 1683 with a stop codon.
Molecular consequence: nonsense.
Genome position (GRCh38, 1-based): chr3:48,580,586, G>A on the plus strand (C>T on the coding strand, the complement: COL7A1 is on the minus strand). VCF-style: chr3-48580586-G-A. GRCh37 (hg19) VCF-style: chr3-48618019-G-A.
Other names: short protein forms R1683*.
Identifiers: ClinVar variation 372337 (VCV000372337.42), dbSNP rs760063197, ClinGen allele CA2379712.